The following is an entry in ClinVar:

NM_005902.4(SMAD3):c.1269T>G (p.Ser423Arg)

Gene: SMAD3 (SMAD family member 3; plus strand). Cytogenetic location: 15q22.33.
Variant type: single nucleotide variant.
Coding change: c.1269T>G on transcript NM_005902.4 (MANE Select); coding-DNA position 1269, T replaced by G.
Protein change: p.Ser423Arg; replaces serine 423 with arginine.
Molecular consequence: missense variant.
Genome position (GRCh38, 1-based): chr15:67,190,527, T>G. VCF-style: chr15-67190527-T-G. GRCh37 (hg19) VCF-style: chr15-67482865-T-G.
Other names: c.954T>G, p.Ser318Arg (NM_001145102.2, NM_001407016.1); c.1137T>G, p.Ser379Arg (NM_001145103.2, NM_001407012.1); c.684T>G, p.Ser228Arg (NM_001145104.2, NM_001407017.1); c.1380T>G, p.Ser460Arg (NM_001407011.1); c.1131T>G, p.Ser377Arg (NM_001407013.1); c.1122T>G, p.Ser374Arg (NM_001407014.1); c.822T>G, p.Ser274Arg (NM_001407015.1); short protein forms S228R, S274R, S318R, S374R, S377R, S379R, S423R, S460R.
Identifiers: ClinVar variation 3340292 (VCV003340292.1).
Genomic context (GRCh38, chr15:67,190,527, plus strand): 5'-TTTGCAGTGGCTTGACAAGGTCCTCACCCAGATGGGCTCCCCAAGCATCCGCTGTTCCAG[T>G]GTGTCTTAGAGACATCAAGTATGGTAGGGGAGGGCAGGCTTGGGGAAAATGGCCATGCAG-3'
Protein context (NP_005893.1, residues 413-425): QMGSPSIRCS[Ser423Arg]VS

ClinVar aggregate classification (germline): Uncertain significance (1 of 4 stars; one submission).

Submission:

GeneDx
Classification: Uncertain significance. Last evaluated: 2023-11-27. Review status: criteria provided, single submitter. Criteria: GeneDx Variant Classification Process June 2021. Collection method: clinical testing. Allele origin: germline. Affected: yes.
Comment: Identified in a patient with Marfan syndrome who also harbored a variant in the FBN1 gene (PMID: 27724990); Not observed at significant frequency in large population cohorts (gnomAD); In silico analysis supports that this missense variant has a deleterious effect on protein structure/function; This variant is associated with the following publications: (PMID: 27724990)